The following is an entry in ClinVar:

ClinVar aggregate classification (germline): Uncertain significance. Review status: criteria provided, multiple submitters, no conflicts (2 of 4 stars). 2 submissions from 2 submitters: Uncertain significance (2). Last evaluated 2026-06-03.

Conditions:
Cardiovascular phenotype. Identifiers: MedGen CN230736.
Ehlers-Danlos syndrome due to tenascin-X deficiency (EDSCLL1). Also called: EDS DUE TO TNX DEFICIENCY; TNX DEFICIENCY; TNXB-Related Classical-Like Ehlers-Danlos Syndrome; EHLERS-DANLOS SYNDROME, CLASSIC-LIKE; Ehlers-Danlos syndrome, classic-like, 1. Identifiers: Orphanet 230839, MedGen C1848029, MONDO:0011670, OMIM 606408.

Allele frequency attached by ClinVar (database versions not stated): gnomAD exomes 0.00001; ExAC 0.00001; gnomAD 0.00001.

Submissions (2):

Ambry Genetics
Classification: Uncertain significance for Cardiovascular phenotype. Last evaluated: 2026-06-03. Review status: criteria provided, single submitter. Criteria: Ambry Variant Classification Scheme 2023. Collection method: clinical testing. Allele origin: germline.

Johns Hopkins Genomics, Johns Hopkins University
Classification: Uncertain significance for Ehlers-Danlos syndrome due to tenascin-X deficiency. Last evaluated: 2019-04-08. Review status: criteria provided, single submitter. Criteria: ACMG Guidelines, 2015. Collection method: clinical testing. Allele origin: germline.
Comment: This TNXB variant (rs764559504) is rare (<0.1%) in large population datasets (gnomAD: 2/243212 total alleles; 0.0008123%; no homozygotes). Additionally, c.10783C>T has not been reported in ClinVar nor the literature, to our knowledge. Of two bioinformatics tools queried, one predicts that the substitution would be damaging, while the second predicts that it would be benign. The proline residue at this position is evolutionarily conserved among primates and across most other species assessed. Bioinformatic analysis predicts that this missense variant would not affect normal exon 32 splicing, although this has not been confirmed experimentally to our knowledge. The clinical significance of c.10783C>T (p.Pro3595Ser) is uncertain at this time.

Literature cited by the submitters: PubMed 12865992 (cited by Johns Hopkins Genomics, Johns Hopkins University); PubMed 15733269 (cited by Johns Hopkins Genomics, Johns Hopkins University); PubMed 28344932 (cited by Johns Hopkins Genomics, Johns Hopkins University).

NM_001365276.2(TNXB):c.10789C>T (p.Pro3597Ser)

Genes: TNXB (tenascin XB; minus strand), LOC106780803 (tenascin XB recombination region; plus strand). Cytogenetic location: 6p21.33.
Variant type: single nucleotide variant.
Coding change: c.10789C>T on transcript NM_001365276.2 (MANE Select); coding-DNA position 10789, C replaced by T.
Protein change: p.Pro3597Ser; replaces proline 3597 with serine.
Molecular consequence: missense variant.
Genome position (GRCh38, 1-based): chr6:32,045,144, G>A on the plus strand (C>T on the coding strand, the complement: TNXB is on the minus strand). VCF-style: chr6-32045144-G-A. GRCh37 (hg19) VCF-style: chr6-32012921-G-A.
Other names: c.10783C>T (NM_019105.6); c.10783C>T, p.Pro3595Ser (NM_019105.8); c.76C>T, p.Pro26Ser (NM_032470.4); short protein forms P26S, P3595S, P3597S.
Identifiers: ClinVar variation 689442 (VCV000689442.2), dbSNP rs764559504, ClinGen allele CA3733144.